The following is an entry in ClinVar:

ClinVar aggregate classification (germline): Pathogenic (1 of 4 stars; one submission).

Conditions:
Cardiovascular phenotype. Identifiers: MedGen CN230736.

Submission:

Ambry Genetics
Classification: Pathogenic for Cardiovascular phenotype. Last evaluated: 2019-04-26. Review status: criteria provided, single submitter. Criteria: Ambry Variant Classification Scheme 2023. Collection method: clinical testing. Allele origin: germline.
Comment: The c.1960_1971del12insT pathogenic mutation, located in coding exon 21 of the MYBPC3 gene, results from the deletion of 12 nucleotides and insertion of one nucleotide causing a translational frameshift with a predicted alternate stop codon (p.R654Yfs*9). This alteration is expected to result in loss of function by premature protein truncation or nonsense-mediated mRNA decay. As such, this alteration is interpreted as a disease-causing mutation.

NM_000256.3(MYBPC3):c.1960_1971delinsT (p.Arg654fs)

Gene: MYBPC3 (myosin binding protein C3; minus strand). Cytogenetic location: 11p11.2.
Variant type: Indel.
Coding change: c.1960_1971delinsT on transcript NM_000256.3 (MANE Select); coding-DNA positions 1960 to 1971, CGCATACCAGAC replaced by T.
Protein change: p.Arg654fs; shifts the reading frame from arginine 654.
Molecular consequence: frameshift variant.
Genome position (GRCh38, 1-based): chr11:47,339,747-47,339,758, GTCTGGTATGCG replaced by A on the plus strand (CGCATACCAGAC replaced by T on the coding strand, the reverse complement: MYBPC3 is on the minus strand). VCF-style: chr11-47339747-GTCTGGTATGCG-A. GRCh37 (hg19) VCF-style: chr11-47361298-GTCTGGTATGCG-A.
Other names: c.1960_1971del12insT (NM_000256.3); short protein forms R654fs.
Identifiers: ClinVar variation 1783418 (VCV001783418.2), dbSNP rs2495756385, ClinGen allele CA2580084202.